The following is an entry in ClinVar:

ClinVar aggregate classification (germline): Uncertain significance (1 of 4 stars; one submission).

Conditions:
Pfeiffer syndrome (ACS5). Also called: ACS V. Identifiers: Orphanet 710, MedGen C0220658, MONDO:0007043, OMIM 101600.
Hypogonadotropic hypogonadism 2 with or without anosmia (HH2). Also called: HYPOGONADOTROPIC HYPOGONADISM 2 WITH OR WITHOUT ANOSMIA, SUSCEPTIBILITY TO; HYPOGONADOTROPIC HYPOGONADISM 2 WITHOUT ANOSMIA, SUSCEPTIBILITY TO; FGFR1-Related GnRH Deficiency (Kallmann Syndrome 2); HYPOGONADOTROPIC HYPOGONADISM 2 WITHOUT ANOSMIA. Identifiers: Orphanet 478, MedGen C1563720, MONDO:0007844, OMIM 147950. Disease mechanism: loss of function.

Allele frequency attached by ClinVar (database versions not stated): TOPMed below 0.00001; gnomAD 0.00001.
gnomAD v4.1: 15 of 1,614,044 alleles (0.00093%); highest among the groups gnomAD compares: Non-Finnish European, 0.0012%; no homozygotes.

Submission:

Labcorp Genetics (formerly Invitae), Labcorp
Classification: Uncertain significance for Pfeiffer syndrome; Hypogonadotropic hypogonadism 2 with or without anosmia. Last evaluated: 2023-05-20. Review status: criteria provided, single submitter. Criteria: Invitae Variant Classification Sherloc (09022015). Collection method: clinical testing. Allele origin: germline.
Comment: In summary, the available evidence is currently insufficient to determine the role of this variant in disease. Therefore, it has been classified as a Variant of Uncertain Significance. Algorithms developed to predict the effect of sequence changes on RNA splicing suggest that this variant may disrupt the consensus splice site. This variant has not been reported in the literature in individuals affected with FGFR1-related conditions. This variant is not present in population databases (gnomAD no frequency). This sequence change affects codon 498 of the FGFR1 mRNA. It is a 'silent' change, meaning that it does not change the encoded amino acid sequence of the FGFR1 protein.

NM_023110.3(FGFR1):c.1494C>A (p.Ile498=)

Gene: FGFR1 (fibroblast growth factor receptor 1; minus strand). Cytogenetic location: 8p11.23.
Variant type: single nucleotide variant.
Coding change: c.1494C>A on transcript NM_023110.3 (MANE Select); coding-DNA position 1494, C replaced by A.
Protein change: p.Ile498=; no amino-acid change (isoleucine 498 retained).
Molecular consequence: synonymous variant.
Genome position (GRCh38, 1-based): chr8:38,417,928, G>T on the plus strand (C>A on the coding strand, the complement: FGFR1 is on the minus strand). VCF-style: chr8-38417928-G-T. GRCh37 (hg19) VCF-style: chr8-38275446-G-T.
Other names: c.1494C>A, p.Ile498= (NM_000604.2); c.1488C>A, p.Ile496= (NM_001174063.2, NM_001174065.2, NM_001354367.2 and 1 more transcripts); c.1464C>A, p.Ile488= (NM_001174064.2); c.1227C>A, p.Ile409= (NM_001174066.2, NM_023105.3); c.1587C>A, p.Ile529= (NM_001174067.2); c.1215C>A, p.Ile405= (NM_001354368.2); c.1482C>A, p.Ile494= (NM_001354369.2, NM_001410922.1); c.1221C>A, p.Ile407= (NM_001354370.2, NM_023106.3).
Identifiers: ClinVar variation 2932156 (VCV002932156.3), dbSNP rs1249233212, ClinGen allele CA460499323.